The following is an entry in ClinVar:

NM_001999.4(FBN2):c.1078+5G>A

Gene: FBN2 (fibrillin 2; minus strand). Cytogenetic location: 5q23.3.
Variant type: single nucleotide variant.
Coding change: c.1078+5G>A on transcript NM_001999.4 (MANE Select); 5 bases into the intron after coding-DNA position 1078, G replaced by A.
Molecular consequence: intron variant.
Genome position (GRCh38, 1-based): chr5:128,408,669, C>T on the plus strand (G>A on the coding strand, the complement: FBN2 is on the minus strand). VCF-style: chr5-128408669-C-T. GRCh37 (hg19) VCF-style: chr5-127744362-C-T.
Identifiers: ClinVar variation 1026831 (VCV001026831.7), dbSNP rs1752991507, ClinGen allele CA1581302573.

ClinVar aggregate classification (germline): Uncertain significance (1 of 4 stars; one submission).

Conditions:
Congenital contractural arachnodactyly (CCA). Also called: BEALS SYNDROME; Beals-Hecht syndrome; Arthrogryposis, distal, type 9. Identifiers: Orphanet 115, MedGen C0220668, MONDO:0007363, OMIM 121050.

Submission:

Labcorp Genetics (formerly Invitae), Labcorp
Classification: Uncertain significance for Congenital contractural arachnodactyly. Last evaluated: 2021-02-07. Review status: criteria provided, single submitter. Criteria: Invitae Variant Classification Sherloc (09022015). Collection method: clinical testing. Allele origin: germline.
Comment: This sequence change falls in intron 8 of the FBN2 gene. It does not directly change the encoded amino acid sequence of the FBN2 protein. It affects a nucleotide within the consensus splice site of the intron. This variant is not present in population databases (ExAC no frequency). This variant has not been reported in the literature in individuals with FBN2-related conditions. Nucleotide substitutions within the consensus splice site are a relatively common cause of aberrant splicing (PMID: 17576681, 9536098). Algorithms developed to predict the effect of sequence changes on RNA splicing suggest that this variant may disrupt the consensus splice site, but this prediction has not been confirmed by published transcriptional studies. In summary, the available evidence is currently insufficient to determine the role of this variant in disease. Therefore, it has been classified as a Variant of Uncertain Significance.

Literature cited by the submitters: PubMed 17576681; PubMed 9536098.